The following is an entry in ClinVar:

ClinVar aggregate classification (germline): Uncertain significance (1 of 4 stars; one submission).

gnomAD v4.1: 18 of 1,614,214 alleles (0.0011%); highest among the groups gnomAD compares: African/African-American, 0.015%; no homozygotes.

Submission:

ARUP Laboratories, Molecular Genetics and Genomics, ARUP Laboratories
Classification: Uncertain significance. Last evaluated: 2024-09-30. Review status: criteria provided, single submitter. Criteria: ARUP Molecular Germline Variant Investigation Process 2024. Collection method: clinical testing. Allele origin: germline.
Comment: The VWF c.97G>C; p.Ala33Pro variant (rs368132716), to our knowledge, is not reported in the medical literature or gene specific databases. This variant is found in the general population with an allele frequency of 0.003% (7/251,048 alleles) in the Genome Aggregation Database (v2.1.1). Computational analyses are uncertain whether this variant is neutral or deleterious (REVEL: 0.251). Due to limited information, the clinical significance of this variant is uncertain at this time.

NM_000552.5(VWF):c.97G>C (p.Ala33Pro)

Gene: VWF (von Willebrand factor; minus strand). Cytogenetic location: 12p13.31.
Variant type: single nucleotide variant.
Coding change: c.97G>C on transcript NM_000552.5 (MANE Select); coding-DNA position 97, G replaced by C.
Protein change: p.Ala33Pro; replaces alanine 33 with proline.
Molecular consequence: missense variant.
Genome position (GRCh38, 1-based): chr12:6,121,297, C>G on the plus strand (G>C on the coding strand, the complement: VWF is on the minus strand). VCF-style: chr12-6121297-C-G. GRCh37 (hg19) VCF-style: chr12-6230463-C-G.
Other names: short protein forms A33P.
Identifiers: ClinVar variation 3766861 (VCV003766861.1).